The following is an entry in ClinVar:

ClinVar aggregate classification (germline): Uncertain significance (1 of 4 stars; one submission).

Conditions:
Autosomal recessive retinitis pigmentosa. Identifiers: MedGen C0339526.
Retinitis pigmentosa 33 (RP33). Identifiers: Orphanet 791, MedGen C1835895, MONDO:0012477, OMIM 610359.

Allele frequency attached by ClinVar (database versions not stated): gnomAD exomes 0.00001; ExAC 0.00002.
gnomAD v4.1: 6 of 1,614,082 alleles (0.00037%); highest among the groups gnomAD compares: East Asian, 0.013%; 1 homozygote.

Submission:

Labcorp Genetics (formerly Invitae), Labcorp
Classification: Uncertain significance. Last evaluated: 2022-04-13. Review status: criteria provided, single submitter. Criteria: Invitae Variant Classification Sherloc (09022015). Collection method: clinical testing. Allele origin: germline.
Comment: This sequence change falls in intron 20 of the SNRNP200 gene. It does not directly change the encoded amino acid sequence of the SNRNP200 protein. It affects a nucleotide within the consensus splice site. This variant is present in population databases (rs759342154, gnomAD 0.02%). This variant has not been reported in the literature in individuals affected with SNRNP200-related conditions. Variants that disrupt the consensus splice site are a relatively common cause of aberrant splicing (PMID: 17576681, 9536098). Algorithms developed to predict the effect of sequence changes on RNA splicing suggest that this variant is not likely to affect RNA splicing. In summary, the available evidence is currently insufficient to determine the role of this variant in disease. Therefore, it has been classified as a Variant of Uncertain Significance.

Literature cited by the submitters: PubMed 17576681 (cited by Labcorp Genetics (formerly Invitae), Labcorp); PubMed 9536098 (cited by Labcorp Genetics (formerly Invitae), Labcorp).

NM_014014.5(SNRNP200):c.2743-3T>C

Gene: SNRNP200 (small nuclear ribonucleoprotein U5 subunit 200; minus strand). Cytogenetic location: 2q11.2.
Variant type: single nucleotide variant.
Coding change: c.2743-3T>C on transcript NM_014014.5 (MANE Select); 3 bases into the intron before coding-DNA position 2743, T replaced by C.
Molecular consequence: intron variant.
Genome position (GRCh38, 1-based): chr2:96,289,999, A>G on the plus strand (T>C on the coding strand, the complement: SNRNP200 is on the minus strand). VCF-style: chr2-96289999-A-G. GRCh37 (hg19) VCF-style: chr2-96955737-A-G.
Identifiers: ClinVar variation 1480691 (VCV001480691.7), dbSNP rs759342154, ClinGen allele CA1778624.
Genomic context (GRCh38, chr2:96,289,999, plus strand): 5'-TTGGGGATCGCAGCATTCGGATATAGAGGTAGGCATAGCCCAGCCAGTTCACCGCATCCT[A>G]CAAGACACAGCTCATGGTTCTTAGCATGGAGAAACTCTTGATGTCCAAATGACAGGCTCC-3'